The following is an entry in ClinVar:

NM_001098.3(ACO2):c.298G>A (p.Asp100Asn)

Gene: ACO2 (aconitase 2; plus strand). Cytogenetic location: 22q13.2.
Variant type: single nucleotide variant.
Coding change: c.298G>A on transcript NM_001098.3 (MANE Select); coding-DNA position 298, G replaced by A.
Protein change: p.Asp100Asn; replaces aspartic acid 100 with asparagine.
Molecular consequence: missense variant.
Genome position (GRCh38, 1-based): chr22:41,507,915, G>A. VCF-style: chr22-41507915-G-A. GRCh37 (hg19) VCF-style: chr22-41903919-G-A.
Other names: short protein forms D100N.
Identifiers: ClinVar variation 971181 (VCV000971181.10), dbSNP rs2066406193, ClinGen allele CA411713481.
Genomic context (GRCh38, chr22:41,507,915, plus strand): 5'-CAGGAAATTGAGCGAGGCAAGTCGTACCTGCGGCTGCGGCCGGACCGTGTGGCCATGCAG[G>A]ATGCGACGGCCCAGATGGCCATGCTCCAGTTCATCAGCAGCGGGCTGTCCAAGGTGGCTG-3'
Protein context (NP_001089.1, residues 90-110): RLRPDRVAMQ[Asp100Asn]ATAQMAMLQF

ClinVar aggregate classification (germline): Uncertain significance (1 of 4 stars; one submission).

Submission:

Labcorp Genetics (formerly Invitae), Labcorp
Classification: Uncertain significance. Last evaluated: 2022-09-22. Review status: criteria provided, single submitter. Criteria: Invitae Variant Classification Sherloc (09022015). Collection method: clinical testing. Allele origin: germline.
Comment: This variant is not present in population databases (gnomAD no frequency). This sequence change replaces aspartic acid, which is acidic and polar, with asparagine, which is neutral and polar, at codon 100 of the ACO2 protein (p.Asp100Asn). This variant has not been reported in the literature in individuals affected with ACO2-related conditions. ClinVar contains an entry for this variant (Variation ID: 971181). Advanced modeling of protein sequence and biophysical properties (such as structural, functional, and spatial information, amino acid conservation, physicochemical variation, residue mobility, and thermodynamic stability) performed at Invitae indicates that this missense variant is expected to disrupt ACO2 protein function. In summary, the available evidence is currently insufficient to determine the role of this variant in disease. Therefore, it has been classified as a Variant of Uncertain Significance.